The following is an entry in ClinVar:

ClinVar aggregate classification (germline): Likely pathogenic (1 of 4 stars; one submission).

Conditions:
Abnormal heart morphology. Also called: Abnormality of cardiac morphology; Heart, malformation of. Identifiers: MedGen C0018798, MeSH D006330, HP:0001627.

Submission:

Laboratory for Molecular Medicine, Mass General Brigham Personalized Medicine
Classification: Likely pathogenic for Heart, malformation of. Last evaluated: 2013-03-06. Review status: criteria provided, single submitter. Criteria: LMM Criteria. Collection method: clinical testing. Allele origin: germline. Inheritance: Autosomal dominant inheritance. Observed: 1 variant allele.
Comment: The Arg134fs variant in NKX2-5 has not been reported in the literature nor previ ously identified by our laboratory. This frameshift variant is predicted to alte r the protein?s amino acid sequence beginning at position 134 and lead to a prem ature termination codon 42 amino acids downstream. This alteration is predicted to lead to an abnormal protein. Truncating variants in the NKX2-5 gene are well- reported as disease-causing in individuals with septal defects and AV block (Sch ott 1998, Benson 1999). In summary, the predicted impact of this variant support s that it is likely pathogenic, though additional studies are required to fully establish its clinical significance.

Literature cited by the submitters: PubMed 10587520; PubMed 9651244.

NC_000005.10:g.173233142_173233144delinsAT

Gene: NKX2-5 (NK2 homeobox 5; minus strand). Cytogenetic location: 5q35.1.
Variant type: Indel.
Genome position: GRCh38 VCF-style: chr5-173233142-CCG-AT. GRCh37 (hg19) VCF-style: chr5-172660145-CCG-AT.
Other names: c.*353_*355delinsAT (NM_001166175.2); c.*199_*201delinsAT (NM_001166176.2); c.400_402delinsAT, p.Arg134fs (NM_004387.4); short protein forms R134fs.
Identifiers: ClinVar variation 44835 (VCV000044835.5), dbSNP rs397516908, ClinGen allele CA212701.